The following is an entry in ClinVar:

ClinVar aggregate classification (germline): Benign/Likely benign. Review status: criteria provided, multiple submitters, no conflicts (2 of 4 stars). 4 submissions from 4 submitters: Benign (1); Likely benign (3). Last evaluated 2025-01-15.

Conditions:
Hereditary cancer-predisposing syndrome. Also called: Neoplastic Syndromes, Hereditary; Tumor predisposition; Hereditary Cancer Syndrome; Hereditary neoplastic syndrome. Identifiers: Orphanet 140162, MedGen C0027672, MeSH D009386, MONDO:0015356.
Familial cancer of breast. Also called: BREAST CANCER, FAMILIAL; hereditary breast carcinoma; Hereditary breast cancer. Identifiers: Orphanet 227535, MedGen C0346153, MONDO:0016419, OMIM 114480. Disease mechanism: loss of function.

Submissions (4):

Myriad Genetics, Inc.
Classification: Benign for Familial cancer of breast. Last evaluated: 2025-01-15. Review status: criteria provided, single submitter. Criteria: Myriad Autosomal Dominant, Autosomal Recessive and X-Linked Classification Criteria (2023). Collection method: clinical testing. Allele origin: unknown.
Comment: This variant is considered benign. This variant is a silent/synonymous amino acid change and it is not expected to impact splicing.

Labcorp Genetics (formerly Invitae), Labcorp
Classification: Likely benign for Familial cancer of breast. Last evaluated: 2023-12-01. Review status: criteria provided, single submitter. Criteria: Invitae Variant Classification Sherloc (09022015). Collection method: clinical testing. Allele origin: germline.

Ambry Genetics
Classification: Likely benign for Hereditary cancer-predisposing syndrome. Last evaluated: 2021-05-21. Review status: criteria provided, single submitter. Criteria: Ambry Variant Classification Scheme 2023. Collection method: clinical testing. Allele origin: germline.

Color Diagnostics, LLC DBA Color Health
Classification: Likely benign for Hereditary cancer-predisposing syndrome. Last evaluated: 2019-05-23. Review status: criteria provided, single submitter. Criteria: ACMG Guidelines, 2015. Collection method: clinical testing. Allele origin: germline.

NM_024675.4(PALB2):c.1968A>G (p.Pro656=)

Gene: PALB2 (partner and localizer of BRCA2; minus strand). Cytogenetic location: 16p12.2.
Variant type: single nucleotide variant.
Coding change: c.1968A>G on transcript NM_024675.4 (MANE Select); coding-DNA position 1968, A replaced by G.
Protein change: p.Pro656=; no amino-acid change (proline 656 retained).
Molecular consequence: synonymous variant.
Genome position (GRCh38, 1-based): chr16:23,630,186, T>C on the plus strand (A>G on the coding strand, the complement: PALB2 is on the minus strand). VCF-style: chr16-23630186-T-C. GRCh37 (hg19) VCF-style: chr16-23641507-T-C.
Identifiers: ClinVar variation 922674 (VCV000922674.14), dbSNP rs756275403, ClinGen allele CA494461097.